The following is an entry in ClinVar:

ClinVar aggregate classification (germline): Uncertain significance. Review status: criteria provided, single submitter (1 of 4 stars). 2 submissions from 2 submitters: Uncertain significance (1). 1 of the submissions does not count toward it. Last evaluated 2024-02-16.

Conditions:
Eccrine porocarcinoma. Identifiers: MedGen C1266065, MeSH D057090, MONDO:0006189.
Hereditary cancer-predisposing syndrome. Also called: Tumor predisposition; Hereditary neoplastic syndrome; Neoplastic Syndromes, Hereditary; Hereditary Cancer Syndrome. Identifiers: Orphanet 140162, MedGen C0027672, MeSH D009386, MONDO:0015356.

gnomAD v4.1: 1 of 1,610,418 alleles (0.000062%); highest among the groups gnomAD compares: East Asian, 0.0022%; no homozygotes.

Submissions (2):

Ambry Genetics
Classification: Uncertain significance for Hereditary cancer-predisposing syndrome. Last evaluated: 2024-02-16. Review status: criteria provided, single submitter. Criteria: Ambry Variant Classification Scheme 2023. Collection method: clinical testing. Allele origin: germline.
Comment: The p.H223R variant (also known as c.668A>G), located in coding exon 7 of the MRE11A gene, results from an A to G substitution at nucleotide position 668. The histidine at codon 223 is replaced by arginine, an amino acid with highly similar properties. This amino acid position is conserved. In addition, this alteration is predicted to be deleterious by in silico analysis. Based on the available evidence, the clinical significance of this alteration remains unclear.

Anatomical Molecular Laboratory, Singapore General Hospital
Classification: Uncertain significance for Eccrine porocarcinoma. Last evaluated: 2023-09-12. Review status: no assertion criteria provided. Collection method: clinical testing. Allele origin: unknown. Affected: yes. Not counted in ClinVar's aggregate classification.

NM_005591.4(MRE11):c.668A>G (p.His223Arg)

Gene: MRE11 (MRE11 double strand break repair nuclease; minus strand). Cytogenetic location: 11q21.
Variant type: single nucleotide variant.
Coding change: c.668A>G on transcript NM_005591.4 (MANE Select); coding-DNA position 668, A replaced by G.
Protein change: p.His223Arg; replaces histidine 223 with arginine.
Molecular consequence: missense variant.
Genome position (GRCh38, 1-based): chr11:94,471,751, T>C on the plus strand (A>G on the coding strand, the complement: MRE11 is on the minus strand). VCF-style: chr11-94471751-T-C. GRCh37 (hg19) VCF-style: chr11-94204917-T-C.
Other names: c.668A>G, p.His223Arg (NM_001330347.2, NM_005590.4); short protein forms H223R.
Identifiers: ClinVar variation 2672239 (VCV002672239.2), dbSNP rs1170382104, ClinGen allele CA382375947.